The following is an entry in ClinVar:

NM_024334.3(TMEM43):c.13-564A>G

Gene: TMEM43 (transmembrane protein 43; plus strand). Cytogenetic location: 3p25.1.
Variant type: single nucleotide variant.
Coding change: c.13-564A>G on transcript NM_024334.3 (MANE Select); 564 bases into the intron before coding-DNA position 13, A replaced by G.
Molecular consequence: intron variant.
Genome position (GRCh38, 1-based): chr3:14,128,848, A>G. VCF-style: chr3-14128848-A-G. GRCh37 (hg19) VCF-style: chr3-14170348-A-G.
Other names: c.13-564A>G (NM_001407274.1, NM_001407276.1, NM_001407275.1 and 3 more transcripts); c.13-1974A>G (NM_001407280.1).
Identifiers: ClinVar variation 3895424 (VCV003895424.1), dbSNP rs56808750.

ClinVar aggregate classification (germline): Likely benign (1 of 4 stars; one submission).

gnomAD v4.1: 483 of 431,496 alleles (0.11%); highest among the groups gnomAD compares: African/African-American, 0.9%; 5 homozygotes.

Submission:

Molecular Diagnostic Laboratory for Inherited Cardiovascular Disease, Montreal Heart Institute
Classification: Likely benign. Last evaluated: 2025-04-09. Review status: criteria provided, single submitter. Criteria: ACMG Guidelines, 2015. Collection method: clinical testing. Allele origin: germline. Affected: no.
Comment: BS1